The following is an entry in ClinVar:

NM_000372.5(TYR):c.347G>A (p.Arg116Gln)

Gene: TYR (tyrosinase; plus strand). Cytogenetic location: 11q14.3.
Variant type: single nucleotide variant.
Coding change: c.347G>A on transcript NM_000372.5 (MANE Select); coding-DNA position 347, G replaced by A.
Protein change: p.Arg116Gln; replaces arginine 116 with glutamine.
Molecular consequence: missense variant.
Genome position (GRCh38, 1-based): chr11:89,178,300, G>A. VCF-style: chr11-89178300-G-A. GRCh37 (hg19) VCF-style: chr11-88911468-G-A.
Other names: short protein forms R116Q.
Identifiers: ClinVar variation 3574109 (VCV003574109.2).

ClinVar aggregate classification (germline): Uncertain significance. Review status: criteria provided, multiple submitters, no conflicts (2 of 4 stars). 2 submissions from 2 submitters: Uncertain significance (2). Last evaluated 2025-05-19.

Conditions:
Oculocutaneous albinism type 1A (OCA1A). Also called: Albinism, oculocutaneous, type IA. Identifiers: Orphanet 352731, Orphanet 79431, MedGen C4551504, MONDO:0008745, OMIM 203100. Disease mechanism: loss of function.
Oculocutaneous albinism type 1B (OCA1B). Also called: ALBINISM, OCULOCUTANEOUS, TYPE IB; ALBINISM, YELLOW MUTANT TYPE; YELLOW ALBINISM. Identifiers: Orphanet 352731, Orphanet 352737, Orphanet 79434, MedGen C1847024, MONDO:0011749, OMIM 606952.
SKIN/HAIR/EYE PIGMENTATION 3, LIGHT/DARK SKIN (SHEP3). Also called: SKIN/HAIR/EYE PIGMENTATION, VARIATION IN, 3; EYE COLOR 1; EYE COLOR, GREEN/BLUE; SKIN/HAIR/EYE PIGMENTATION 3, BLUE/GREEN EYE COLOR; SKIN/HAIR/EYE PIGMENTATION 3, FRECKLING. Identifiers: MedGen C2677190, OMIM 601800.

gnomAD v4.1: 26 of 1,614,024 alleles (0.0016%); highest among the groups gnomAD compares: African/African-American, 0.0027%; no homozygotes.

Submissions (2):

Labcorp Genetics (formerly Invitae), Labcorp
Classification: Uncertain significance. Last evaluated: 2025-05-19. Review status: criteria provided, single submitter. Criteria: Invitae Variant Classification Sherloc (09022015). Collection method: clinical testing. Allele origin: germline.
Comment: This sequence change replaces arginine, which is basic and polar, with glutamine, which is neutral and polar, at codon 116 of the TYR protein (p.Arg116Gln). This variant is present in population databases (rs772122395, gnomAD 0.003%). This missense change has been observed in individual(s) with oculocutaneous albininsm and/or oculocutaneous albinism (internal data). In at least one individual the data is consistent with being in trans (on the opposite chromosome) from a pathogenic variant. ClinVar contains an entry for this variant (Variation ID: 3574109). Invitae Evidence Modeling of protein sequence and biophysical properties (such as structural, functional, and spatial information, amino acid conservation, physicochemical variation, residue mobility, and thermodynamic stability) has been performed for this missense variant. However, the output from this modeling did not meet the statistical confidence thresholds required to predict the impact of this variant on TYR protein function. In summary, the available evidence is currently insufficient to determine the role of this variant in disease. Therefore, it has been classified as a Variant of Uncertain Significance.

Fulgent Genetics
Classification: Uncertain significance for Oculocutaneous albinism type 1A; SKIN/HAIR/EYE PIGMENTATION 3, LIGHT/DARK SKIN; Oculocutaneous albinism type 1B. Last evaluated: 2024-03-19. Review status: criteria provided, single submitter. Criteria: ACMG Guidelines, 2015. Collection method: clinical testing. Allele origin: germline.